The following is an entry in ClinVar:

NM_006244.4(PPP2R5B):c.815C>T (p.Thr272Met)

Gene: PPP2R5B (protein phosphatase 2 regulatory subunit B'beta; plus strand). Cytogenetic location: 11q13.1.
Variant type: single nucleotide variant.
Coding change: c.815C>T on transcript NM_006244.4 (MANE Select); coding-DNA position 815, C replaced by T.
Protein change: p.Thr272Met; replaces threonine 272 with methionine.
Molecular consequence: missense variant.
Genome position (GRCh38, 1-based): chr11:64,930,513, C>T. VCF-style: chr11-64930513-C-T. GRCh37 (hg19) VCF-style: chr11-64697985-C-T.
Other names: c.815C>T (NM_006244.3); short protein forms T272M.
Identifiers: ClinVar variation 1418234 (VCV001418234.8), dbSNP rs147891521, ClinGen allele CA6086927.

ClinVar aggregate classification (germline): Uncertain significance. Review status: criteria provided, multiple submitters, no conflicts (2 of 4 stars). 2 submissions from 2 submitters: Uncertain significance (2). Last evaluated 2024-12-03.

Allele frequency attached by ClinVar (database versions not stated): gnomAD 0.00009 and 0.00011; TOPMed 0.00011; gnomAD exomes 0.00012 and 0.00019; ESP Exome Variant Server 0.00023; ExAC 0.00025.

Submissions (2):

Labcorp Genetics (formerly Invitae), Labcorp
Classification: Uncertain significance. Last evaluated: 2024-12-03. Review status: criteria provided, single submitter. Criteria: Invitae Variant Classification Sherloc (09022015). Collection method: clinical testing. Allele origin: germline.
Comment: This sequence change replaces threonine, which is neutral and polar, with methionine, which is neutral and non-polar, at codon 272 of the PPP2R5B protein (p.Thr272Met). This variant is present in population databases (rs147891521, gnomAD 0.03%). This variant has not been reported in the literature in individuals affected with PPP2R5B-related conditions. ClinVar contains an entry for this variant (Variation ID: 1418234). Invitae Evidence Modeling of protein sequence and biophysical properties (such as structural, functional, and spatial information, amino acid conservation, physicochemical variation, residue mobility, and thermodynamic stability) indicates that this missense variant is expected to disrupt PPP2R5B protein function with a positive predictive value of 80%. In summary, the available evidence is currently insufficient to determine the role of this variant in disease. Therefore, it has been classified as a Variant of Uncertain Significance.

Ambry Genetics
Classification: Uncertain significance. Last evaluated: 2024-11-13. Review status: criteria provided, single submitter. Criteria: Ambry Variant Classification Scheme 2023. Collection method: clinical testing. Allele origin: germline.